The following is an entry in ClinVar:

NM_016239.4(MYO15A):c.3842G>C (p.Gly1281Ala)

Gene: MYO15A (myosin XVA; plus strand). Cytogenetic location: 17p11.2.
Variant type: single nucleotide variant.
Coding change: c.3842G>C on transcript NM_016239.4 (MANE Select); coding-DNA position 3842, G replaced by C.
Protein change: p.Gly1281Ala; replaces glycine 1281 with alanine.
Molecular consequence: missense variant.
Genome position (GRCh38, 1-based): chr17:18,126,432, G>C. VCF-style: chr17-18126432-G-C. GRCh37 (hg19) VCF-style: chr17-18029746-G-C.
Other names: short protein forms G1281A.
Identifiers: ClinVar variation 517608 (VCV000517608.4), dbSNP rs1555541136, ClinGen allele CA398590454.
Genomic context (GRCh38, chr17:18,126,432, plus strand): 5'-CGGTGAACCCATACCAAATGTTTGGAATCTATGGGCCGGAGCAGGTGCAGCAGTACAACG[G>C]ACGGGCCCTGGGAGAGAATCCCCCGTGAGTGTCTCGGGGGCGCTGCCCTGGGGTCTCTTG-3'
Protein context (NP_057323.3, residues 1271-1291): YGPEQVQQYN[Gly1281Ala]RALGENPPHL

ClinVar aggregate classification (germline): Uncertain significance (1 of 4 stars; one submission).

Submission:

Laboratory for Molecular Medicine, Mass General Brigham Personalized Medicine
Classification: Uncertain significance. Last evaluated: 2017-09-21. Review status: criteria provided, single submitter. Criteria: LMM Criteria. Collection method: clinical testing. Allele origin: germline. Observed: 1 variant allele.
Comment: The p.Gly1281Ala variant in MYO15A has not been previously reported in individua ls with hearing loss and was absent from large population studies. Computational prediction tools and conservation analysis suggest that the p.Gly1281Ala varian t may impact the protein, though this information is not predictive enough to de termine pathogenicity. In summary, the clinical significance of the p.Gly1281Ala variant is uncertain.